The following is an entry in ClinVar:

NM_000059.4(BRCA2):c.8368A>G (p.Thr2790Ala)

Gene: BRCA2 (BRCA2 DNA repair associated; plus strand). Cytogenetic location: 13q13.1.
Variant type: single nucleotide variant.
Coding change: c.8368A>G on transcript NM_000059.4 (MANE Select); coding-DNA position 8368, A replaced by G.
Protein change: p.Thr2790Ala; replaces threonine 2790 with alanine.
Molecular consequence: missense variant.
Genome position (GRCh38, 1-based): chr13:32,370,438, A>G. VCF-style: chr13-32370438-A-G. GRCh37 (hg19) VCF-style: chr13-32944575-A-G.
Other names: short protein forms T2790A.
Identifiers: ClinVar variation 926467 (VCV000926467.15), dbSNP rs80359081, ClinGen allele CA387752434.

ClinVar aggregate classification (germline): Uncertain significance. Review status: criteria provided, multiple submitters, no conflicts (2 of 4 stars). 3 submissions from 3 submitters: Uncertain significance (3). Last evaluated 2023-12-05.

Conditions:
Hereditary cancer-predisposing syndrome. Also called: Neoplastic Syndromes, Hereditary; Tumor predisposition; Hereditary Cancer Syndrome; Hereditary neoplastic syndrome. Identifiers: Orphanet 140162, MedGen C0027672, MeSH D009386, MONDO:0015356.
Hereditary breast ovarian cancer syndrome. Also called: Hereditary breast and ovarian cancer syndrome; BRCA1- and BRCA2-Associated Hereditary Breast and Ovarian Cancer; Hereditary breast and ovarian cancer; Hereditary breast and ovarian cancer syndrome (HBOC); Breast and ovarian cancer; Hereditary breast and/or ovarian cancer syndrome. Identifiers: Orphanet 145, MedGen C0677776, MeSH D061325, MONDO:0003582. Disease mechanism: loss of function.

Submissions (3):

Color Diagnostics, LLC DBA Color Health
Classification: Uncertain significance for Hereditary cancer-predisposing syndrome. Last evaluated: 2023-12-05. Review status: criteria provided, single submitter. Criteria: ACMG Guidelines, 2015. Collection method: clinical testing. Allele origin: germline.
Comment: This missense variant replaces threonine with alanine at codon 2790 of the BRCA2 protein. Computational prediction tools and conservation analyses suggest that this variant may not impact the protein function. Computational splicing tools suggest that this variant may not impact RNA splicing. To our knowledge, functional assays have not been performed for this variant nor has this variant been reported in individuals affected with hereditary cancer in the literature. This variant has not been identified in the general population by the Genome Aggregation Database (gnomAD). Available evidence is insufficient to determine the role of this variant in disease conclusively. Therefore, this variant is classified as a Variant of Uncertain Significance.

Labcorp Genetics (formerly Invitae), Labcorp
Classification: Uncertain significance for Hereditary breast ovarian cancer syndrome. Last evaluated: 2022-09-04. Review status: criteria provided, single submitter. Criteria: Invitae Variant Classification Sherloc (09022015). Collection method: clinical testing. Allele origin: germline.
Comment: RNA analysis performed to evaluate the impact of this missense change on mRNA splicing indicates it does not significantly alter splicing (Invitae). Advanced modeling of protein sequence and biophysical properties (such as structural, functional, and spatial information, amino acid conservation, physicochemical variation, residue mobility, and thermodynamic stability) performed at Invitae indicates that this missense variant is not expected to disrupt BRCA2 protein function. This sequence change replaces threonine, which is neutral and polar, with alanine, which is neutral and non-polar, at codon 2790 of the BRCA2 protein (p.Thr2790Ala). In summary, the available evidence is currently insufficient to determine the role of this variant in disease. Therefore, it has been classified as a Variant of Uncertain Significance. This variant is not present in population databases (gnomAD no frequency). ClinVar contains an entry for this variant (Variation ID: 926467). This variant has not been reported in the literature in individuals affected with BRCA2-related conditions.

Women's Health and Genetics/Laboratory Corporation of America, LabCorp
Classification: Uncertain significance. Last evaluated: 2019-10-25. Review status: criteria provided, single submitter. Criteria: LabCorp Variant Classification Summary - May 2015. Collection method: clinical testing. Allele origin: germline.
Comment: Variant summary: BRCA2 c.8368A>G (p.Thr2790Ala) results in a non-conservative amino acid change located in the OB1 fold (IPR015187) of the encoded protein sequence. Three of five in-silico tools predict a benign effect of the variant on protein function. The variant was absent in 251450 control chromosomes (gnomAD). The available data on variant occurrences in the general population are insufficient to allow any conclusion about variant significance. To our knowledge, no occurrence of c.8368A>G in individuals affected with Hereditary Breast and Ovarian Cancer and no experimental evidence demonstrating its impact on protein function have been reported. No clinical diagnostic laboratories have submitted clinical-significance assessments for this variant to ClinVar after 2014. Based on the evidence outlined above, the variant was classified as VUS-possibly benign.